The following is an entry in ClinVar:

ClinVar aggregate classification (germline): Conflicting classifications of pathogenicity. Review status: criteria provided, conflicting classifications (1 of 4 stars). 3 submissions from 3 submitters: Uncertain significance (1); Benign (1). 1 of the submissions does not count toward it. Last evaluated 2025-01-29.

Conditions:
JUP-related disorder. Also called: JUP-related condition.
Cardiovascular phenotype. Identifiers: MedGen CN230736.
Naxos disease (NXD). Also called: KERATOSIS PALMOPLANTARIS WITH ARRHYTHMOGENIC CARDIOMYOPATHY; MAL DE NAXOS; PALMOPLANTAR KERATODERMA WITH ARRHYTHMOGENIC RIGHT VENTRICULAR CARDIOMYOPATHY AND WOOLLY HAIR; WOOLLY HAIR, PALMOPLANTAR KERATODERMA, AND CARDIAC ABNORMALITIES; CARDIOMYOPATHY, ARRHYTHMOGENIC RIGHT VENTRICULAR, WITH SKIN, HAIR, AND NAIL ABNORMALITIES. Identifiers: Orphanet 34217, MedGen C1832600, MONDO:0011017, OMIM 601214.
Arrhythmogenic right ventricular dysplasia 12. Also called: ARRHYTHMOGENIC RIGHT VENTRICULAR DYSPLASIA, FAMILIAL, 12. Identifiers: MedGen C1969081, MONDO:0012684, OMIM 611528.

Allele frequency attached by ClinVar (database versions not stated): gnomAD 0.00001; gnomAD exomes 0.00001; ExAC 0.00002; 1000 Genomes Project 30x 0.00016; 1000 Genomes Project 0.00020.
gnomAD v4.1: 12 of 1,613,300 alleles (0.00074%); highest among the groups gnomAD compares: South Asian, 0.0033%; no homozygotes.

Submissions (3):

Labcorp Genetics (formerly Invitae), Labcorp
Classification: Uncertain significance for Arrhythmogenic right ventricular dysplasia 12; Naxos disease. Last evaluated: 2025-01-29. Review status: criteria provided, single submitter. Criteria: Invitae Variant Classification Sherloc (09022015). Collection method: clinical testing. Allele origin: germline.
Comment: This sequence change replaces proline, which is neutral and non-polar, with leucine, which is neutral and non-polar, at codon 713 of the JUP protein (p.Pro713Leu). This variant is present in population databases (rs530653041, gnomAD 0.006%). This variant has not been reported in the literature in individuals affected with JUP-related conditions. ClinVar contains an entry for this variant (Variation ID: 2926646). An algorithm developed to predict the effect of missense changes on protein structure and function (PolyPhen-2) suggests that this variant is likely to be tolerated. In summary, the available evidence is currently insufficient to determine the role of this variant in disease. Therefore, it has been classified as a Variant of Uncertain Significance.

Ambry Genetics
Classification: Benign for Cardiovascular phenotype. Last evaluated: 2024-12-20. Review status: criteria provided, single submitter. Criteria: Ambry Variant Classification Scheme 2023. Collection method: clinical testing. Allele origin: germline.

PreventionGenetics, part of Exact Sciences
Classification: Uncertain significance for JUP-related condition. Last evaluated: 2024-06-06. Review status: no assertion criteria provided. Collection method: clinical testing. Allele origin: germline. Not counted in ClinVar's aggregate classification.
Comment: The JUP c.2138C>T variant is predicted to result in the amino acid substitution p.Pro713Leu. To our knowledge, this variant has not been reported in the literature. This variant is reported in 0.011% of alleles in individuals of East Asian descent in gnomAD. At this time, the clinical significance of this variant is uncertain due to the absence of conclusive functional and genetic evidence.

Literature cited by the submitters: PubMed 28600387 (cited by Ambry Genetics); PubMed 37418234 (cited by Ambry Genetics).

NM_002230.4(JUP):c.2138C>T (p.Pro713Leu)

Gene: JUP (junction plakoglobin; minus strand). Cytogenetic location: 17q21.2.
Variant type: single nucleotide variant.
Coding change: c.2138C>T on transcript NM_002230.4 (MANE Select); coding-DNA position 2138, C replaced by T.
Protein change: p.Pro713Leu; replaces proline 713 with leucine.
Molecular consequence: missense variant.
Genome position (GRCh38, 1-based): chr17:41,755,844, G>A on the plus strand (C>T on the coding strand, the complement: JUP is on the minus strand). VCF-style: chr17-41755844-G-A. GRCh37 (hg19) VCF-style: chr17-39912096-G-A.
Other names: c.2138C>T, p.Pro713Leu (NM_001352773.2, NM_001352774.2, NM_001352775.2 and 3 more transcripts); short protein forms P713L.
Identifiers: ClinVar variation 2926646 (VCV002926646.5), dbSNP rs530653041, ClinGen allele CA8565000.